The following is an entry in ClinVar:

ClinVar aggregate classification (germline): Uncertain significance. Review status: criteria provided, multiple submitters, no conflicts (2 of 4 stars). 3 submissions from 3 submitters: Uncertain significance (3). Last evaluated 2023-05-03.

Conditions:
Hereditary cancer-predisposing syndrome. Also called: Hereditary Cancer Syndrome; Neoplastic Syndromes, Hereditary; Tumor predisposition; Hereditary neoplastic syndrome. Identifiers: Orphanet 140162, MedGen C0027672, MeSH D009386, MONDO:0015356.
Hereditary nonpolyposis colorectal neoplasms. Identifiers: MedGen C0009405, MeSH D003123.

Submissions (3):

Labcorp Genetics (formerly Invitae), Labcorp
Classification: Uncertain significance for Hereditary nonpolyposis colorectal neoplasms. Last evaluated: 2023-05-03. Review status: criteria provided, single submitter. Criteria: Invitae Variant Classification Sherloc (09022015). Collection method: clinical testing. Allele origin: germline.
Comment: Advanced modeling of protein sequence and biophysical properties (such as structural, functional, and spatial information, amino acid conservation, physicochemical variation, residue mobility, and thermodynamic stability) performed at Invitae indicates that this missense variant is expected to disrupt PMS2 protein function. ClinVar contains an entry for this variant (Variation ID: 490099). This variant has not been reported in the literature in individuals affected with PMS2-related conditions. This variant is not present in population databases (gnomAD no frequency). This sequence change replaces isoleucine, which is neutral and non-polar, with asparagine, which is neutral and polar, at codon 652 of the PMS2 protein (p.Ile652Asn). In summary, the available evidence is currently insufficient to determine the role of this variant in disease. Therefore, it has been classified as a Variant of Uncertain Significance.

GeneDx
Classification: Uncertain significance. Last evaluated: 2019-09-25. Review status: criteria provided, single submitter. Criteria: GeneDx Variant Classification Process June 2021. Collection method: clinical testing. Allele origin: germline. Affected: yes.
Comment: Not observed in large population cohorts (Lek 2016); In silico analysis, which includes protein predictors and evolutionary conservation, supports a deleterious effect; Has not been previously published as pathogenic or benign to our knowledge

Color Diagnostics, LLC DBA Color Health
Classification: Uncertain significance for Hereditary cancer-predisposing syndrome. Last evaluated: 2019-04-05. Review status: criteria provided, single submitter. Criteria: ACMG Guidelines, 2015. Collection method: clinical testing. Allele origin: germline.

NM_000535.7(PMS2):c.1955T>A (p.Ile652Asn)

Gene: PMS2 (PMS1 homolog 2, mismatch repair system component; minus strand). Cytogenetic location: 7p22.1.
Variant type: single nucleotide variant.
Coding change: c.1955T>A on transcript NM_000535.7 (MANE Select); coding-DNA position 1955, T replaced by A.
Protein change: p.Ile652Asn; replaces isoleucine 652 with asparagine.
Molecular consequence: missense variant. On other transcripts: non-coding transcript variant (1).
Genome position (GRCh38, 1-based): chr7:5,986,810, A>T on the plus strand (T>A on the coding strand, the complement: PMS2 is on the minus strand). VCF-style: chr7-5986810-A-T. GRCh37 (hg19) VCF-style: chr7-6026441-A-T.
Other names: c.1550T>A, p.Ile517Asn (NM_001322009.2, NM_001322003.2, NM_001322004.2 and 1 more transcripts); c.1394T>A, p.Ile465Asn (NM_001322010.2); c.1022T>A, p.Ile341Asn (NM_001322012.2, NM_001322011.2); c.1637T>A, p.Ile546Asn (NM_001322008.2, NM_001322007.2); c.1799T>A, p.Ile600Asn (NM_001322006.2); c.1382T>A, p.Ile461Asn (NM_001322013.2); c.1955T>A, p.Ile652Asn (NM_001322014.2); c.1646T>A, p.Ile549Asn (NM_001322015.2); short protein forms I652N, I341N, I461N, I546N, I549N, I600N, I465N, I517N.
Identifiers: ClinVar variation 490099 (VCV000490099.10), dbSNP rs1554297091, ClinGen allele CA366739094.